The following is an entry in ClinVar:

NM_014679.5(CEP57):c.413A>G (p.Asn138Ser)

Gene: CEP57 (centrosomal protein 57; plus strand). Cytogenetic location: 11q21.
Variant type: single nucleotide variant.
Coding change: c.413A>G on transcript NM_014679.5 (MANE Select); coding-DNA position 413, A replaced by G.
Protein change: p.Asn138Ser; replaces asparagine 138 with serine.
Molecular consequence: missense variant.
Genome position (GRCh38, 1-based): chr11:95,813,498, A>G. VCF-style: chr11-95813498-A-G. GRCh37 (hg19) VCF-style: chr11-95546662-A-G.
Other names: c.386A>G, p.Asn129Ser (NM_001243776.2); c.413A>G, p.Asn138Ser (NM_001243777.2); c.332A>G, p.Asn111Ser (NM_001363604.2); c.413A>G (NM_014679.4); short protein forms N138S, N111S, N129S.
Identifiers: ClinVar variation 2069914 (VCV002069914.5), dbSNP rs1462764700, ClinGen allele CA382421764.

ClinVar aggregate classification (germline): Uncertain significance. Review status: criteria provided, multiple submitters, no conflicts (2 of 4 stars). 2 submissions from 2 submitters: Uncertain significance (2). Last evaluated 2024-12-06.

Conditions:
Inborn genetic diseases. Identifiers: MedGen C0950123, MeSH D030342.
Mosaic variegated aneuploidy syndrome 2 (MVA2). Identifiers: Orphanet 1052, MedGen C3279843, MONDO:0013582, OMIM 614114.

Allele frequency attached by ClinVar (database versions not stated): TOPMed 0.00001; gnomAD 0.00001.
gnomAD v4.1: 1 of 1,612,694 alleles (0.000062%); highest among the groups gnomAD compares: Admixed American, 0.0017%; no homozygotes.

Submissions (2):

Ambry Genetics
Classification: Uncertain significance for Inborn genetic diseases. Last evaluated: 2024-12-06. Review status: criteria provided, single submitter. Criteria: Ambry Variant Classification Scheme 2023. Collection method: clinical testing. Allele origin: germline.
Comment: The p.N138S variant (also known as c.413A>G), located in coding exon 4 of the CEP57 gene, results from an A to G substitution at nucleotide position 413. The asparagine at codon 138 is replaced by serine, an amino acid with highly similar properties. This amino acid position is conserved. In addition, this alteration is predicted to be tolerated by in silico analysis. Based on the available evidence, the clinical significance of this variant remains unclear.

Labcorp Genetics (formerly Invitae), Labcorp
Classification: Uncertain significance for Mosaic variegated aneuploidy syndrome 2. Last evaluated: 2022-10-04. Review status: criteria provided, single submitter. Criteria: Invitae Variant Classification Sherloc (09022015). Collection method: clinical testing. Allele origin: germline.
Comment: This variant is not present in population databases (gnomAD no frequency). This sequence change replaces asparagine, which is neutral and polar, with serine, which is neutral and polar, at codon 138 of the CEP57 protein (p.Asn138Ser). This variant has not been reported in the literature in individuals affected with CEP57-related conditions. Advanced modeling of protein sequence and biophysical properties (such as structural, functional, and spatial information, amino acid conservation, physicochemical variation, residue mobility, and thermodynamic stability) performed at Invitae indicates that this missense variant is not expected to disrupt CEP57 protein function. In summary, the available evidence is currently insufficient to determine the role of this variant in disease. Therefore, it has been classified as a Variant of Uncertain Significance.